The following is an entry in ClinVar:

NM_031443.4(CCM2):c.329A>G (p.Asp110Gly)

Gene: CCM2 (CCM2 scaffold protein; plus strand). Cytogenetic location: 7p13.
Variant type: single nucleotide variant.
Coding change: c.329A>G on transcript NM_031443.4 (MANE Select); coding-DNA position 329, A replaced by G.
Protein change: p.Asp110Gly; replaces aspartic acid 110 with glycine.
Molecular consequence: missense variant. On other transcripts: non-coding transcript variant (1).
Genome position (GRCh38, 1-based): chr7:45,064,503, A>G. VCF-style: chr7-45064503-A-G. GRCh37 (hg19) VCF-style: chr7-45104102-A-G.
Other names: c.155A>G, p.Asp52Gly (NM_001363459.2, NM_001167934.2); c.329A>G, p.Asp110Gly (NM_001363458.2, NM_001167935.2); c.392A>G, p.Asp131Gly (NM_001029835.2); short protein forms D110G, D52G, D131G.
Identifiers: ClinVar variation 4842259 (VCV004842259.1).

ClinVar aggregate classification (germline): Uncertain significance (1 of 4 stars; one submission).

Conditions:
Inborn genetic diseases. Identifiers: MedGen C0950123, MeSH D030342.

gnomAD v4.1: 4 of 1,613,774 alleles (0.00025%); highest among the groups gnomAD compares: Non-Finnish European, 0.00034%; no homozygotes.

Submission:

Ambry Genetics
Classification: Uncertain significance for Inborn genetic diseases. Last evaluated: 2025-12-16. Review status: criteria provided, single submitter. Criteria: Ambry Variant Classification Scheme 2023. Collection method: clinical testing. Allele origin: germline.
Comment: The p.D110G variant (also known as c.329A>G), located in coding exon 4 of the CCM2 gene, results from an A to G substitution at nucleotide position 329. The aspartic acid at codon 110 is replaced by glycine, an amino acid with similar properties. This amino acid position is conserved. In addition, this alteration is predicted to be deleterious by in silico analysis. Based on the available evidence, the clinical significance of this variant remains unclear.